The following is an entry in ClinVar:

NM_000051.4(ATM):c.4222_4236+5del

Gene: ATM (ATM serine/threonine kinase; plus strand). Cytogenetic location: 11q22.3.
Variant type: Deletion.
Coding change: c.4222_4236+5del on transcript NM_000051.4 (MANE Select); coding-DNA position 4222 through 5 bases into the intron after coding-DNA position 4236, 20 bases deleted (CTTTCCAAAAGCCCTGTAAG).
Molecular consequence: splice donor variant.
Genome position (GRCh38, 1-based): chr11:108,289,089-108,289,108, CTTTCCAAAAGCCCTGTAAG deleted. VCF-style (leftmost placement, unchanged base first): chr11-108289088-TCTTTCCAAAAGCCCTGTAAG-T. GRCh37 (hg19) VCF-style: chr11-108159815-TCTTTCCAAAAGCCCTGTAAG-T.
Other names: c.4222_4236+5del (NM_001351834.2).
Identifiers: ClinVar variation 1073317 (VCV001073317.8), dbSNP rs2135753552, ClinGen allele CA2499220636.

ClinVar aggregate classification (germline): Pathogenic (1 of 4 stars; one submission).

Conditions:
Ataxia-telangiectasia syndrome (AT). Also called: Cerebello-oculocutaneous telangiectasia; Immunodeficiency with ataxia telangiectasia; ATAXIA-TELANGIECTASIA, FRESNO VARIANT; Ataxia-telangiectasia, complementation group D; Ataxia telangiectasia (A-T); LOUIS-BAR SYNDROME. Identifiers: Orphanet 100, MedGen C0004135, MONDO:0008840, OMIM 208900.

Submission:

Labcorp Genetics (formerly Invitae), Labcorp
Classification: Pathogenic for Ataxia-telangiectasia syndrome. Last evaluated: 2023-04-03. Review status: criteria provided, single submitter. Criteria: Invitae Variant Classification Sherloc (09022015). Collection method: clinical testing. Allele origin: germline.
Comment: This variant results in the deletion of part of exon 28 (c.4222_4236+5del) of the ATM gene. It is expected to disrupt RNA splicing. Variants that disrupt the donor or acceptor splice site typically lead to a loss of protein function (PMID: 16199547), and loss-of-function variants in ATM are known to be pathogenic (PMID: 23807571, 25614872). For these reasons, this variant has been classified as Pathogenic. Algorithms developed to predict the effect of sequence changes on RNA splicing suggest that this variant may disrupt the consensus splice site. ClinVar contains an entry for this variant (Variation ID: 1073317). This variant has not been reported in the literature in individuals affected with ATM-related conditions. This variant is not present in population databases (gnomAD no frequency).

Literature cited by the submitters: PubMed 16199547; PubMed 23807571; PubMed 25614872.